The following is an entry in ClinVar:

NM_004268.5(MED17):c.1011G>A (p.Pro337=)

Gene: MED17 (mediator complex subunit 17; plus strand). Cytogenetic location: 11q21.
Variant type: single nucleotide variant.
Coding change: c.1011G>A on transcript NM_004268.5 (MANE Select); coding-DNA position 1011, G replaced by A.
Protein change: p.Pro337=; no amino-acid change (proline 337 retained).
Molecular consequence: synonymous variant.
Genome position (GRCh38, 1-based): chr11:93,795,059, G>A. VCF-style: chr11-93795059-G-A. GRCh37 (hg19) VCF-style: chr11-93528225-G-A.
Identifiers: ClinVar variation 771893 (VCV000771893.17), dbSNP rs141529021, ClinGen allele CA6232478.

ClinVar aggregate classification (germline): Benign/Likely benign. Review status: criteria provided, multiple submitters, no conflicts (2 of 4 stars). 6 submissions from 6 submitters: Benign (2); Likely benign (2). 2 of the submissions do not count toward it. Last evaluated 2026-01-28.

Conditions:
MED17-related disorder. Also called: MED17-related condition.
Infantile cerebral and cerebellar atrophy with postnatal progressive microcephaly (MSBA). Identifiers: Orphanet 402364, MedGen C3150921, MONDO:0013351, OMIM 613668.

Allele frequency attached by ClinVar (database versions not stated): 1000 Genomes Project 30x 0.00016; 1000 Genomes Project 0.00020; gnomAD exomes 0.00100; ExAC 0.00102; ESP Exome Variant Server 0.00115; TOPMed 0.00128.
gnomAD v4.1: 1,730 of 1,614,074 alleles (0.11%); highest among the groups gnomAD compares: Admixed American, 0.26%; 5 homozygotes.

Submissions (6):

Labcorp Genetics (formerly Invitae), Labcorp
Classification: Benign. Last evaluated: 2026-01-28. Review status: criteria provided, single submitter. Criteria: Invitae Variant Classification Sherloc (09022015). Collection method: clinical testing. Allele origin: germline.

Blueprint Genetics
Classification: Likely benign. Last evaluated: 2024-09-12. Review status: criteria provided, single submitter. Criteria: ACMG Guidelines, 2015. Collection method: clinical testing. Allele origin: germline.

ARUP Laboratories, Molecular Genetics and Genomics, ARUP Laboratories
Classification: Likely benign for Infantile cerebral and cerebellar atrophy with postnatal progressive microcephaly. Last evaluated: 2023-12-20. Review status: criteria provided, single submitter. Criteria: ARUP Molecular Germline Variant Investigation Process 2024. Collection method: clinical testing. Allele origin: germline.

Breakthrough Genomics
Classification: Benign. Review status: criteria provided, single submitter. Criteria: ACMG Guidelines, 2015. Collection method: not provided. Allele origin: germline. Inheritance: Autosomal recessive inheritance. Affected: yes.

Natera, Inc.
Classification: Uncertain significance for Postnatal progressive microcephaly with seizures and brain atrophy. Last evaluated: 2020-04-17. Review status: no assertion criteria provided. Collection method: clinical testing. Allele origin: germline. Not counted in ClinVar's aggregate classification.

PreventionGenetics, part of Exact Sciences
Classification: Likely benign for MED17-related condition. Last evaluated: 2019-05-09. Review status: no assertion criteria provided. Collection method: clinical testing. Allele origin: germline. Not counted in ClinVar's aggregate classification.
Comment: This variant is classified as likely benign based on ACMG/AMP sequence variant interpretation guidelines (Richards et al. 2015 PMID: 25741868, with internal and published modifications).